The following is an entry in ClinVar:

NM_000284.4(PDHA1):c.1101_1154dup (p.Ile384_Lys385insAsnIleTyrSerSerAspProProPheGluValArgGlyAlaAsnGlnTrpIle)

Gene: PDHA1 (pyruvate dehydrogenase E1 subunit alpha 1; plus strand). Cytogenetic location: Xp22.12.
Variant type: Duplication.
Coding change: c.1101_1154dup on transcript NM_000284.4 (MANE Select); coding-DNA positions 1101 to 1154, 54 bases duplicated.
Protein change: p.Ile384_Lys385insAsnIleTyrSerSerAspProProPheGluValArgGlyAlaAsnGlnTrpIle.
Molecular consequence: inframe insertion.
Genome position (GRCh38, 1-based): chrX:19,359,581-19,359,634, 54 bases duplicated. GRCh37 (hg19): chrX:19,377,699-19,377,752.
Other names: c.1215_1268dup, p.Ile422_Lys423insAsnIleTyrSerSerAspProProPheGluValArgGlyAlaAsnGlnTrpIle (NM_001173454.2); c.1122_1175dup, p.Ile391_Lys392insAsnIleTyrSerSerAspProProPheGluValArgGlyAlaAsnGlnTrpIle (NM_001173455.2); c.1008_1061dup, p.Ile353_Lys354insAsnIleTyrSerSerAspProProPheGluValArgGlyAlaAsnGlnTrpIle (NM_001173456.2).
Identifiers: ClinVar variation 4070455 (VCV004070455.1).

ClinVar aggregate classification (germline): Likely pathogenic (0 of 4 stars; one submission).

Conditions:
Pyruvate dehydrogenase E1-alpha deficiency (PDHAD). Also called: ATAXIA, INTERMITTENT, WITH PYRUVATE DEHYDROGENASE DEFICIENCY; ATAXIA WITH LACTIC ACIDOSIS I; ATAXIA, INTERMITTENT, WITH ABNORMAL PYRUVATE METABOLISM; Ataxia, intermittent, with pyruvate dehydrogenase, or decarboxylase, deficiency. Identifiers: Orphanet 79243, MedGen C1839413, MONDO:0010717, OMIM 312170.

Submission:

PDHA1 Study Group, University Children’s Hospital, Paracelsus Medical University
Classification: Likely pathogenic for Pyruvate dehydrogenase E1-alpha deficiency. Last evaluated: 2024-10-15. Review status: no assertion criteria provided. Collection method: research. Allele origin: inherited. Affected: yes. Observed: 1 variant allele.
Comment: The NM_000284.3:c.1101_1154dup (p.Ile384_Lys385insAsnIleTyrSerSerAspProProPheGluValArgGlyAlaAsnGlnTrpIle) change is a deletion-insertion (delins) variant in PDHA1 gene. Among them, 1 were confirmed inherited. Last literature search: July 12, 2024. This variant is absent or extremely rare in population-based cohorts in the Genome Aggregation Database (gnomAD). Individuals harboring this variant presented with clinical features compatible with PDHA1-related PDHc deficiency. In summary, this variant meets criteria to be classified as likely pathogenic (LP) for PDHA1-related PDHc deficiency based on the ACMG/AMP criteria applied: PM1, PM2, PM4, PM7 (last assessment October 15, 2024).

Literature cited by the submitters: DOI 10.1093/brain/awaf430.